The following is an entry in ClinVar:

NC_000011.9:g.(?_721044)_(3988932_?)dup

Genes: AP2A2 (adaptor related protein complex 2 subunit alpha 2; plus strand), ART1 (ADP-ribosyltransferase 1; plus strand), ART5 (ADP-ribosyltransferase 5; minus strand), ASCL2 (achaete-scute family bHLH transcription factor 2; minus strand), BRSK2 (BR serine/threonine kinase 2; plus strand) and 62 more. Cytogenetic location: 11p15.5-15.4.
Variant type: Duplication.
Identifiers: ClinVar variation 2425075 (VCV002425075.5).

ClinVar aggregate classification (germline): Uncertain significance (1 of 4 stars; one submission).

Submission:

Labcorp Genetics (formerly Invitae), Labcorp
Classification: Uncertain significance. Last evaluated: 2020-11-18. Review status: criteria provided, single submitter. Criteria: Invitae Variant Classification Sherloc (09022015). Collection method: clinical testing. Allele origin: germline.
Comment: A copy number gain of the genomic region encompassing the full coding sequence of the CD81 gene has been identified. The boundaries of this event are unknown as they extend beyond the assayed region for this gene and therefore may encompass additional genes. As the precise location of this event is unknown, it may be in tandem or it may be located elsewhere in the genome. This variant has not been reported in the literature in individuals with CD81-related conditions. In summary, the available evidence is currently insufficient to determine the role of this variant in disease. Therefore, it has been classified as a Variant of Uncertain Significance.